The following is an entry in ClinVar:

ClinVar aggregate classification (germline): Pathogenic (1 of 4 stars; one submission).

Conditions:
Developmental and epileptic encephalopathy, 25 (DEE25). Also called: Developmental and epileptic encephalopathy 25, with amelogenesis imperfecta; Epileptic encephalopathy, early infantile, 25, with amelogenesis imperfecta; Epileptic encephalopathy, early infantile, 25. Identifiers: Orphanet 442835, MedGen C4014621, MONDO:0014392, OMIM 615905.

Submission:

Labcorp Genetics (formerly Invitae), Labcorp
Classification: Pathogenic for Developmental and epileptic encephalopathy, 25. Last evaluated: 2022-09-01. Review status: criteria provided, single submitter. Criteria: Invitae Variant Classification Sherloc (09022015). Collection method: clinical testing. Allele origin: germline.
Comment: For these reasons, this variant has been classified as Pathogenic. ClinVar contains an entry for this variant (Variation ID: 1455896). This variant has not been reported in the literature in individuals affected with SLC13A5-related conditions. This variant is not present in population databases (gnomAD no frequency). This sequence change creates a premature translational stop signal (p.Gln373*) in the SLC13A5 gene. It is expected to result in an absent or disrupted protein product. Loss-of-function variants in SLC13A5 are known to be pathogenic (PMID: 24995870, 26384929).

Literature cited by the submitters: PubMed 24995870; PubMed 26384929.

NM_177550.5(SLC13A5):c.1117C>T (p.Gln373Ter)

Gene: SLC13A5 (solute carrier family 13 member 5; minus strand). Cytogenetic location: 17p13.1.
Variant type: single nucleotide variant.
Coding change: c.1117C>T on transcript NM_177550.5 (MANE Select); coding-DNA position 1117, C replaced by T.
Protein change: p.Gln373Ter; replaces glutamine 373 with a stop codon.
Molecular consequence: nonsense.
Genome position (GRCh38, 1-based): chr17:6,694,136, G>A on the plus strand (C>T on the coding strand, the complement: SLC13A5 is on the minus strand). VCF-style: chr17-6694136-G-A. GRCh37 (hg19) VCF-style: chr17-6597455-G-A.
Other names: c.1117C>T, p.Gln373Ter (NM_001143838.3); c.1066C>T, p.Gln356Ter (NM_001284509.2); c.988C>T, p.Gln330Ter (NM_001284510.2); short protein forms Q330*, Q356*, Q373*.
Identifiers: ClinVar variation 1455896 (VCV001455896.6), dbSNP rs2151485506, ClinGen allele CA397742538.
Genomic context (GRCh38, chr17:6,694,136, plus strand): 5'-CGATCAGAACAGGAGACTTACCTTCCTCAGTCTGGCTGCGGAAGTTAAACTTGGGCTTCT[G>A]TGAAGGCACAATGAATAGCAGGGTGGCCACAAAGATGGCCACAGTGGCATCGGAGACATA-3'